The following is an entry in ClinVar:

ClinVar aggregate classification (germline): Uncertain significance (1 of 4 stars; one submission).

Conditions:
Epileptic encephalopathy. Identifiers: MedGen C0543888, HP:0200134.

Allele frequency attached by ClinVar (database versions not stated): gnomAD 0.00001; TOPMed 0.00001.
gnomAD v4.1: 96 of 1,612,524 alleles (0.006%); highest among the groups gnomAD compares: Non-Finnish European, 0.0081%; no homozygotes.

Submission:

Labcorp Genetics (formerly Invitae), Labcorp
Classification: Uncertain significance for Epileptic encephalopathy. Last evaluated: 2021-07-21. Review status: criteria provided, single submitter. Criteria: Invitae Variant Classification Sherloc (09022015). Collection method: clinical testing. Allele origin: germline.
Comment: In summary, the available evidence is currently insufficient to determine the role of this variant in disease. Therefore, it has been classified as a Variant of Uncertain Significance. Algorithms developed to predict the effect of missense changes on protein structure and function are either unavailable or do not agree on the potential impact of this missense change (SIFT: "Deleterious"; PolyPhen-2: "Possibly Damaging"; Align-GVGD: "Class C0"). This variant has not been reported in the literature in individuals with FASN-related conditions. This variant is not present in population databases (ExAC no frequency). This sequence change replaces aspartic acid with glutamic acid at codon 1058 of the FASN protein (p.Asp1058Glu). The aspartic acid residue is highly conserved and there is a small physicochemical difference between aspartic acid and glutamic acid.

NM_004104.5(FASN):c.3174C>G (p.Asp1058Glu)

Gene: FASN (fatty acid synthase; minus strand). Cytogenetic location: 17q25.3.
Variant type: single nucleotide variant.
Coding change: c.3174C>G on transcript NM_004104.5 (MANE Select); coding-DNA position 3174, C replaced by G.
Protein change: p.Asp1058Glu; replaces aspartic acid 1058 with glutamic acid.
Molecular consequence: missense variant.
Genome position (GRCh38, 1-based): chr17:82,087,374, G>C on the plus strand (C>G on the coding strand, the complement: FASN is on the minus strand). VCF-style: chr17-82087374-G-C. GRCh37 (hg19) VCF-style: chr17-80045250-G-C.
Other names: short protein forms D1058E.
Identifiers: ClinVar variation 1351552 (VCV001351552.8), dbSNP rs780024238, ClinGen allele CA295132875.